The following is an entry in ClinVar:

NM_002637.4(PHKA1):c.1978G>A (p.Val660Ile)

Gene: PHKA1 (phosphorylase kinase regulatory subunit alpha 1; minus strand). Cytogenetic location: Xq13.1.
Variant type: single nucleotide variant.
Coding change: c.1978G>A on transcript NM_002637.4 (MANE Select); coding-DNA position 1978, G replaced by A.
Protein change: p.Val660Ile; replaces valine 660 with isoleucine.
Molecular consequence: missense variant. On other transcripts: intron variant (1).
Genome position (GRCh38, 1-based): chrX:72,620,884, C>T on the plus strand (G>A on the coding strand, the complement: PHKA1 is on the minus strand). VCF-style: chrX-72620884-C-T. GRCh37 (hg19) VCF-style: chrX-71840734-C-T.
Other names: c.1978G>A, p.Val660Ile (NM_001122670.2); c.1961-1579G>A (NM_001172436.2); short protein forms V660I.
Identifiers: ClinVar variation 2775892 (VCV002775892.3), dbSNP rs2522486893, ClinGen allele CA413591226.

ClinVar aggregate classification (germline): Uncertain significance (1 of 4 stars; one submission).

Conditions:
Glycogen storage disease IXd (GSD9D). Also called: GSD IXd; Muscle Phosphorylase Kinase Deficiency. Identifiers: Orphanet 715, MedGen C1845151, MONDO:0010362, OMIM 300559.

Allele frequency attached by ClinVar (database versions not stated): gnomAD exomes below 0.00001.
gnomAD v4.1: 2 of 1,210,784 alleles (0.00017%); highest among the groups gnomAD compares: Non-Finnish European, 0.00022%; no homozygotes.

Submission:

Labcorp Genetics (formerly Invitae), Labcorp
Classification: Uncertain significance for Glycogen storage disease IXd. Last evaluated: 2023-12-15. Review status: criteria provided, single submitter. Criteria: Invitae Variant Classification Sherloc (09022015). Collection method: clinical testing. Allele origin: germline.
Comment: This sequence change replaces valine, which is neutral and non-polar, with isoleucine, which is neutral and non-polar, at codon 660 of the PHKA1 protein (p.Val660Ile). This variant is not present in population databases (gnomAD no frequency). This variant has not been reported in the literature in individuals affected with PHKA1-related conditions. Advanced modeling of protein sequence and biophysical properties (such as structural, functional, and spatial information, amino acid conservation, physicochemical variation, residue mobility, and thermodynamic stability) performed at Invitae indicates that this missense variant is not expected to disrupt PHKA1 protein function with a negative predictive value of 80%. In summary, the available evidence is currently insufficient to determine the role of this variant in disease. Therefore, it has been classified as a Variant of Uncertain Significance.